The following is an entry in ClinVar:

ClinVar aggregate classification (germline): Likely benign (1 of 4 stars; one submission).

gnomAD v4.1: 17 of 1,597,898 alleles (0.0011%); highest among the groups gnomAD compares: Non-Finnish European, 0.0014%; no homozygotes.

Submission:

CeGaT Center for Human Genetics Tuebingen
Classification: Likely benign. Last evaluated: 2023-01-01. Review status: criteria provided, single submitter. Criteria: CeGaT Center For Human Genetics Tuebingen Variant Classification Criteria Version 2. Collection method: clinical testing. Allele origin: germline. Affected: yes. Observed: 1 variant allele.
Comment: SET: BP4, BP7

NM_003011.4(SET):c.468C>T (p.Thr156=)

Gene: SET (SET nuclear proto-oncogene; plus strand). Cytogenetic location: 9q34.11.
Variant type: single nucleotide variant.
Coding change: c.468C>T on transcript NM_003011.4 (MANE Select); coding-DNA position 468, C replaced by T.
Protein change: p.Thr156=; no amino-acid change (threonine 156 retained).
Molecular consequence: synonymous variant.
Genome position (GRCh38, 1-based): chr9:128,692,957, C>T. VCF-style: chr9-128692957-C-T. GRCh37 (hg19) VCF-style: chr9-131455236-C-T.
Other names: c.507C>T, p.Thr169= (NM_001122821.2, NM_001374326.1); c.441C>T, p.Thr147= (NM_001248000.2); c.435C>T, p.Thr145= (NM_001248001.2).
Identifiers: ClinVar variation 2659547 (VCV002659547.24), dbSNP rs752017523, ClinGen allele CA467303144.